The following is an entry in ClinVar:

ClinVar aggregate classification (germline): Pathogenic (1 of 4 stars; one submission).

Conditions:
Hereditary cancer-predisposing syndrome. Also called: Neoplastic Syndromes, Hereditary; Tumor predisposition; Hereditary Cancer Syndrome; Hereditary neoplastic syndrome. Identifiers: Orphanet 140162, MedGen C0027672, MeSH D009386, MONDO:0015356.

Submission:

Ambry Genetics
Classification: Pathogenic for Hereditary cancer-predisposing syndrome. Last evaluated: 2026-01-13. Review status: criteria provided, single submitter. Criteria: Ambry Variant Classification Scheme 2023. Collection method: clinical testing. Allele origin: germline.
Comment: The c.4030_4031delGA pathogenic mutation, located in coding exon 9 of the BRCA1 gene, results from a deletion of two nucleotides at nucleotide positions 4030 to 4031, causing a translational frameshift with a predicted alternate stop codon (p.D1344*). This variant is considered to be rare based on population cohorts in the Genome Aggregation Database (gnomAD). This alteration is expected to result in loss of function by premature protein truncation or nonsense-mediated mRNA decay. As such, this alteration is interpreted as a disease-causing mutation.

NM_007294.4(BRCA1):c.4030_4031del (p.Asp1343_Asp1344insTer)

Genes: BRCA1 (BRCA1 DNA repair associated; minus strand), LOC126862571 (BRD4-independent group 4 enhancer GRCh37_chr17:41243136-41244335; plus strand). Cytogenetic location: 17q21.31.
Variant type: Deletion.
Coding change: c.4030_4031del on transcript NM_007294.4 (MANE Select); coding-DNA positions 4030 to 4031, 2 bases deleted (GA; older notation c.4030_4031delGA).
Protein change: p.Asp1343_Asp1344insTer.
Molecular consequence: nonsense. On other transcripts: intron variant (135).
Genome position (GRCh38, 1-based): chr17:43,091,500-43,091,501, TC deleted on the plus strand (GA on the coding strand, the reverse complement: BRCA1 is on the minus strand). VCF-style (leftmost placement, unchanged base first): chr17-43091499-ATC-A. GRCh37 (hg19) VCF-style: chr17-41243516-ATC-A.
Other names: c.3697_3698del, p.Asp1232_Asp1233insTer (NM_001407950.1, NM_001407951.1, NM_001407952.1 and 6 more transcripts); c.3694_3695del, p.Asp1231_Asp1232insTer (NM_001407954.1, NM_001407955.1, NM_001407956.1 and 1 more transcripts); c.3649_3650del, p.Asp1216_Asp1217insTer (NM_001407959.1, NM_001407960.1, NM_001407963.1); c.3646_3647del, p.Asp1215_Asp1216insTer (NM_001407962.1); c.3886_3887del, p.Asp1295_Asp1296insTer (NM_001407964.1, NM_001407943.1, NM_001407740.1 and 20 more transcripts); c.3526_3527del, p.Asp1175_Asp1176insTer (NM_001407965.1); c.3142_3143del, p.Asp1047_Asp1048insTer (NM_001407966.1, NM_001407967.1); c.647-469_647-468del (NM_001408459.1, NM_001408458.1, NM_001408469.1 and 11 more transcripts); and 41 more.
Identifiers: ClinVar variation 4842662 (VCV004842662.1).